The following is an entry in ClinVar:

ClinVar aggregate classification (germline): Uncertain significance. Review status: criteria provided, multiple submitters, no conflicts (2 of 4 stars). 2 submissions from 2 submitters: Uncertain significance (2). Last evaluated 2024-07-30.

Conditions:
Branchiooculofacial syndrome (BOFS). Also called: Branchio-Oculo-Facial Syndrome; BOF SYNDROME; HEMANGIOMATOUS BRANCHIAL CLEFTS-LIP PSEUDOCLEFT SYNDROME; LIP PSEUDOCLEFT-HEMANGIOMATOUS BRANCHIAL CYST SYNDROME. Identifiers: Orphanet 1297, MedGen C0376524, MeSH D019280, MONDO:0007235, OMIM 113620.

Allele frequency attached by ClinVar (database versions not stated): TOPMed 0.00001; ExAC 0.00002; gnomAD 0.00002; gnomAD exomes 0.00003.
gnomAD v4.1: 44 of 1,614,030 alleles (0.0027%); highest among the groups gnomAD compares: Non-Finnish European, 0.0034%; no homozygotes.

Submissions (2):

Labcorp Genetics (formerly Invitae), Labcorp
Classification: Uncertain significance. Last evaluated: 2024-07-30. Review status: criteria provided, single submitter. Criteria: Invitae Variant Classification Sherloc (09022015). Collection method: clinical testing. Allele origin: germline.
Comment: This sequence change replaces aspartic acid, which is acidic and polar, with asparagine, which is neutral and polar, at codon 327 of the TFAP2A protein (p.Asp327Asn). This variant is present in population databases (rs575186761, gnomAD 0.004%). This variant has not been reported in the literature in individuals affected with TFAP2A-related conditions. ClinVar contains an entry for this variant (Variation ID: 2191348). An algorithm developed to predict the effect of missense changes on protein structure and function (PolyPhen-2) suggests that this variant is likely to be tolerated. In summary, the available evidence is currently insufficient to determine the role of this variant in disease. Therefore, it has been classified as a Variant of Uncertain Significance.

Fulgent Genetics
Classification: Uncertain significance for Branchiooculofacial syndrome. Last evaluated: 2024-06-03. Review status: criteria provided, single submitter. Criteria: ACMG Guidelines, 2015. Collection method: clinical testing. Allele origin: germline.

NM_001372066.1(TFAP2A):c.985G>A (p.Asp329Asn)

Gene: TFAP2A (transcription factor AP-2 alpha; minus strand). Cytogenetic location: 6p24.3.
Variant type: single nucleotide variant.
Coding change: c.985G>A on transcript NM_001372066.1 (MANE Select); coding-DNA position 985, G replaced by A.
Protein change: p.Asp329Asn; replaces aspartic acid 329 with asparagine.
Molecular consequence: missense variant.
Genome position (GRCh38, 1-based): chr6:10,400,494, C>T on the plus strand (G>A on the coding strand, the complement: TFAP2A is on the minus strand). VCF-style: chr6-10400494-C-T. GRCh37 (hg19) VCF-style: chr6-10400727-C-T.
Other names: c.961G>A, p.Asp321Asn (NM_001032280.3); c.967G>A, p.Asp323Asn (NM_001042425.3); short protein forms D323N, D329N, D321N.
Identifiers: ClinVar variation 2191348 (VCV002191348.5), dbSNP rs575186761, ClinGen allele CA3631153.